The following is an entry in ClinVar:

ClinVar aggregate classification (germline): Conflicting classifications of pathogenicity. Review status: criteria provided, conflicting classifications (1 of 4 stars). 12 submissions from 11 submitters: Uncertain significance (1); Benign (5); Likely benign (5). 1 of the submissions does not count toward it. Last evaluated 2026-01-28.

Conditions:
RYR2-related disorder. Also called: RYR2-related condition.
Cardiovascular phenotype. Identifiers: MedGen CN230736.
Catecholaminergic polymorphic ventricular tachycardia (CVPT). Also called: Catecholamine-induced polymorphic ventricular tachycardia. Identifiers: Orphanet 3286, MedGen C5574922, MONDO:0017990.
Catecholaminergic polymorphic ventricular tachycardia 1. Also called: RYR2-Related Catecholaminergic Polymorphic Ventricular Tachycardia; VENTRICULAR TACHYCARDIA, CATECHOLAMINERGIC POLYMORPHIC, 1, WITH OR WITHOUT ATRIAL DYSFUNCTION AND/OR DILATED CARDIOMYOPATHY; VENTRICULAR TACHYCARDIA, STRESS-INDUCED POLYMORPHIC 1. Identifiers: Orphanet 3286, MedGen C1631597, MONDO:0011484, OMIM 604772.
Cardiomyopathy (CMYO). Also called: Cardiomyopathies. Identifiers: Orphanet 167848, MedGen C0878544, MONDO:0004994, HP:0001638. Inheritance: Various modes of inheritance.
Arrhythmogenic right ventricular dysplasia 2. Identifiers: MedGen C1832931.

Allele frequency attached by ClinVar (database versions not stated): gnomAD exomes 0.00010 and 0.00027; ExAC 0.00028; 1000 Genomes Project 0.00080; gnomAD 0.00085 and 0.00086; 1000 Genomes Project 30x 0.00094; TOPMed 0.00095; ESP Exome Variant Server 0.00144.
gnomAD v4.1: 288 of 1,613,478 alleles (0.018%); highest among the groups gnomAD compares: African/African-American, 0.24%; no homozygotes.

Submissions (12):

Labcorp Genetics (formerly Invitae), Labcorp
Classification: Benign for Catecholaminergic polymorphic ventricular tachycardia 1. Last evaluated: 2026-01-28. Review status: criteria provided, single submitter. Criteria: Invitae Variant Classification Sherloc (09022015). Collection method: clinical testing. Allele origin: germline.

CeGaT Center for Human Genetics Tuebingen
Classification: Likely benign. Last evaluated: 2025-09-01. Review status: criteria provided, single submitter. Criteria: CeGaT Center For Human Genetics Tuebingen Variant Classification Criteria Version 2. Collection method: clinical testing. Allele origin: germline. Affected: yes. Observed: 1 variant allele.
Comment: RYR2: BP4, BP7

Blueprint Genetics
Classification: Likely benign. Last evaluated: 2024-04-22. Review status: criteria provided, single submitter. Criteria: ACMG Guidelines, 2015. Collection method: clinical testing. Allele origin: germline.

All of Us Research Program, National Institutes of Health
Classification: Benign for Catecholaminergic polymorphic ventricular tachycardia. Last evaluated: 2024-02-05. Review status: criteria provided, single submitter. Criteria: ACMG Guidelines, 2015. Collection method: clinical testing. Allele origin: germline. Inheritance: Autosomal dominant inheritance. Observed: 56 variant alleles, 56 heterozygotes.
Comment: This study involves interpretation of variants in research participants for the purpose of population health screening. Participant phenotype was not available at the time of variant classification. Additional details can be found in publication PMID: 35346344, PMCID: PMC8962531

GeneDx
Classification: Likely benign. Last evaluated: 2020-01-29. Review status: criteria provided, single submitter. Criteria: GeneDx Variant Classification Process June 2021. Collection method: clinical testing. Allele origin: germline. Affected: yes.

Color Diagnostics, LLC DBA Color Health
Classification: Benign for Cardiomyopathy. Last evaluated: 2018-11-08. Review status: criteria provided, single submitter. Criteria: ACMG Guidelines, 2015. Collection method: clinical testing. Allele origin: germline.

Women's Health and Genetics/Laboratory Corporation of America, LabCorp
Classification: Benign. Last evaluated: 2018-02-06. Review status: criteria provided, single submitter. Criteria: LabCorp Variant Classification Summary - May 2015. Collection method: clinical testing. Allele origin: germline.
Comment: Variant summary: RYR2 c.828A>G alters a non-conserved nucleotide resulting in a synonymous change (p.Arg276Arg) and 5/5 computational tools predict no significant impact on normal splicing. However, these predictions have yet to be confirmed by functional studies. The observed variant frequency within African control individuals in the gnomAD database is approximately 48-folds higher than the estimated maximal expected allele frequency for a pathogenic variant in RYR2 causing Arrhythmia phenotype (6e-05), strongly suggesting that the variant is a benign polymorphism found primarily in population(s) of African origin. To our knowledge, the variant, c.828A>G, has not been reported in affected individuals via publications. However, multiple clinical diagnostic laboratories via ClinVar submissions (evaluated after 2014) classify the variant as "likely benign/benign" or "uncertain significance". Based on the evidence outlined above, the variant was classified as benign.

Illumina Laboratory Services, Illumina
Classification: Uncertain significance for Catecholaminergic polymorphic ventricular tachycardia 1. Last evaluated: 2018-01-12. Review status: criteria provided, single submitter. Criteria: ICSL Variant Classification Criteria 13 December 2019. Collection method: clinical testing. Allele origin: germline.

Illumina Laboratory Services, Illumina
Classification: Benign for Catecholaminergic polymorphic ventricular tachycardia 1. Last evaluated: 2018-01-12. Review status: criteria provided, single submitter. Criteria: ICSL Variant Classification Criteria 13 December 2019. Collection method: clinical testing. Allele origin: germline.
Comment: This variant was observed in the ICSL laboratory as part of a predisposition screen in an ostensibly healthy population. It had not been previously curated by ICSL or reported in the Human Gene Mutation Database (HGMD: prior to June 1st, 2018), and was therefore a candidate for classification through an automated scoring system. Utilizing variant allele frequency, disease prevalence and penetrance estimates, and inheritance mode, an automated score was calculated to assess if this variant is too frequent to cause the disease. Based on the score and internal cut-off values, a variant classified as benign is not then subjected to further curation. The score for this variant resulted in a classification of benign for this disease.

Ambry Genetics
Classification: Likely benign for Cardiovascular phenotype. Last evaluated: 2016-09-23. Review status: criteria provided, single submitter. Criteria: Ambry Variant Classification Scheme 2023. Collection method: clinical testing. Allele origin: germline.

CHEO Genetics Diagnostic Laboratory, Children's Hospital of Eastern Ontario
Classification: Likely benign for Cardiomyopathy. Last evaluated: 2016-06-24. Review status: criteria provided, single submitter. Criteria: ACMG Guidelines, 2015. Collection method: clinical testing. Allele origin: germline. Study: Canadian Open Genetics Repository.

PreventionGenetics, part of Exact Sciences
Classification: Likely benign for RYR2-related condition. Last evaluated: 2020-03-05. Review status: no assertion criteria provided. Collection method: clinical testing. Allele origin: germline. Not counted in ClinVar's aggregate classification.
Comment: This variant is classified as likely benign based on ACMG/AMP sequence variant interpretation guidelines (Richards et al. 2015 PMID: 25741868, with internal and published modifications).

NM_001035.3(RYR2):c.828A>G (p.Arg276=)

Gene: RYR2 (ryanodine receptor 2; plus strand). Cytogenetic location: 1q43.
Variant type: single nucleotide variant.
Coding change: c.828A>G on transcript NM_001035.3 (MANE Select); coding-DNA position 828, A replaced by G.
Protein change: p.Arg276=; no amino-acid change (arginine 276 retained).
Molecular consequence: synonymous variant.
Genome position (GRCh38, 1-based): chr1:237,417,103, A>G. VCF-style: chr1-237417103-A-G. GRCh37 (hg19) VCF-style: chr1-237580403-A-G.
Other names: c.828A>G, p.Arg276= (LRG_402t1).
Identifiers: ClinVar variation 296705 (VCV000296705.37), dbSNP rs180711819, ClinGen allele CA087597.